The following is an entry in ClinVar:

NM_001042492.3(NF1):c.3069G>A (p.Met1023Ile)

Gene: NF1 (neurofibromin 1; plus strand). Cytogenetic location: 17q11.2.
Variant type: single nucleotide variant.
Coding change: c.3069G>A on transcript NM_001042492.3 (MANE Select); coding-DNA position 3069, G replaced by A.
Protein change: p.Met1023Ile; replaces methionine 1023 with isoleucine.
Molecular consequence: missense variant.
Genome position (GRCh38, 1-based): chr17:31,230,338, G>A. VCF-style: chr17-31230338-G-A. GRCh37 (hg19) VCF-style: chr17-29557356-G-A.
Other names: c.3069G>A, p.Met1023Ile (NM_000267.4); short protein forms M1023I.
Identifiers: ClinVar variation 1500090 (VCV001500090.9), dbSNP rs2151431668, ClinGen allele CA398987457.

ClinVar aggregate classification (germline): Uncertain significance. Review status: criteria provided, multiple submitters, no conflicts (2 of 4 stars). 2 submissions from 2 submitters: Uncertain significance (2). Last evaluated 2024-04-29.

Conditions:
Neurofibromatosis, type 1 (NF1). Also called: VON RECKLINGHAUSEN DISEASE; NEUROFIBROMATOSIS, TYPE I, SOMATIC; Peripheral type neurofibromatosis; Neurofibromatosis, type I. Identifiers: Orphanet 636, MedGen C0027831, MONDO:0018975, OMIM 162200. Disease mechanism: loss of function.
Juvenile myelomonocytic leukemia (JMML). Also called: LEUKEMIA, JUVENILE MYELOMONOCYTIC, SOMATIC. Identifiers: Orphanet 86834, MedGen C0349639, MONDO:0011908, OMIM 607785, HP:0012209.

Submissions (2):

Labcorp Genetics (formerly Invitae), Labcorp
Classification: Uncertain significance for Neurofibromatosis, type 1. Last evaluated: 2024-04-29. Review status: criteria provided, single submitter. Criteria: Invitae Variant Classification Sherloc (09022015). Collection method: clinical testing. Allele origin: germline.
Comment: This sequence change replaces methionine, which is neutral and non-polar, with isoleucine, which is neutral and non-polar, at codon 1023 of the NF1 protein (p.Met1023Ile). This variant is not present in population databases (gnomAD no frequency). This variant has not been reported in the literature in individuals affected with NF1-related conditions. ClinVar contains an entry for this variant (Variation ID: 1500090). Advanced modeling of protein sequence and biophysical properties (such as structural, functional, and spatial information, amino acid conservation, physicochemical variation, residue mobility, and thermodynamic stability) performed at Invitae indicates that this missense variant is expected to disrupt NF1 protein function with a positive predictive value of 95%. In summary, the available evidence is currently insufficient to determine the role of this variant in disease. Therefore, it has been classified as a Variant of Uncertain Significance.

Baylor Genetics
Classification: Uncertain significance for Juvenile myelomonocytic leukemia. Last evaluated: 2023-09-15. Review status: criteria provided, single submitter. Criteria: ACMG Guidelines, 2015. Collection method: clinical testing. Allele origin: unknown.